The following is an entry in ClinVar:

ClinVar aggregate classification (germline): Uncertain significance (0 of 4 stars; one submission).

Conditions:
TTN-related disorder. Also called: TTN-related disorders; TTN-related condition; TTN-related disease.

gnomAD v4.1: 6 of 1,613,624 alleles (0.00037%); highest among the groups gnomAD compares: East Asian, 0.013%; no homozygotes.

Submission:

PreventionGenetics, part of Exact Sciences
Classification: Uncertain significance for TTN-related condition. Last evaluated: 2024-09-06. Review status: no assertion criteria provided. Collection method: clinical testing. Allele origin: germline.
Comment: The TTN c.94907A>G variant is predicted to result in the amino acid substitution p.Asp31636Gly. To our knowledge, this variant has not been reported in the literature. This variant is reported in 0.011% of alleles in individuals of East Asian descent in gnomAD. At this time, the clinical significance of this variant is uncertain due to the absence of conclusive functional and genetic evidence.

NM_001267550.2(TTN):c.94907A>G (p.Asp31636Gly)

Genes: TTN (titin; minus strand), TTN-AS1 (TTN antisense RNA 1; plus strand). Cytogenetic location: 2q31.2.
Variant type: single nucleotide variant.
Coding change: c.94907A>G on transcript NM_001267550.2 (MANE Select); coding-DNA position 94907, A replaced by G.
Protein change: p.Asp31636Gly; replaces aspartic acid 31636 with glycine.
Molecular consequence: missense variant.
Genome position (GRCh38, 1-based): chr2:178,546,424, T>C on the plus strand (A>G on the coding strand, the complement: TTN is on the minus strand). VCF-style: chr2-178546424-T-C. GRCh37 (hg19) VCF-style: chr2-179411151-T-C.
Other names: c.89984A>G, p.Asp29995Gly (NM_001256850.1); c.67712A>G, p.Asp22571Gly (NM_003319.4); c.87203A>G, p.Asp29068Gly (NM_133378.4); c.68087A>G, p.Asp22696Gly (NM_133432.3); c.68288A>G, p.Asp22763Gly (NM_133437.4); short protein forms D22571G, D22696G, D22763G, D29068G, D29995G, D31636G.
Identifiers: ClinVar variation 3347275 (VCV003347275.1).
Genomic context (GRCh38, chr2:178,546,424, plus strand): 5'-AGCTCCTTGTCTCCTTTGGTCCAGATAATTTTGGGTTCAGGTTTGCCACCAACTGCAGCA[T>C]CCAGAACAAGATCAGAACCTGCTCTGATGGTAACCAGATCACCGTGTAATCGGGCATCCA-3'
Protein context (NP_001254479.2, residues 31626-31646): TIRAGSDLVL[Asp31636Gly]AAVGGKPEPK